The following is an entry in ClinVar:

NM_020778.5(ALPK3):c.4138G>A (p.Glu1380Lys)

Gene: ALPK3 (alpha kinase 3; plus strand). Cytogenetic location: 15q25.3.
Variant type: single nucleotide variant.
Coding change: c.4138G>A on transcript NM_020778.5 (MANE Select); coding-DNA position 4138, G replaced by A.
Protein change: p.Glu1380Lys; replaces glutamic acid 1380 with lysine.
Molecular consequence: missense variant.
Genome position (GRCh38, 1-based): chr15:84,862,643, G>A. VCF-style: chr15-84862643-G-A. GRCh37 (hg19) VCF-style: chr15-85405874-G-A.
Other names: short protein forms E1380K.
Identifiers: ClinVar variation 2051538 (VCV002051538.4), dbSNP rs2505727248, ClinGen allele CA393362580.

ClinVar aggregate classification (germline): Uncertain significance (1 of 4 stars; one submission).

Submission:

Labcorp Genetics (formerly Invitae), Labcorp
Classification: Uncertain significance. Last evaluated: 2022-11-15. Review status: criteria provided, single submitter. Criteria: Invitae Variant Classification Sherloc (09022015). Collection method: clinical testing. Allele origin: germline.
Comment: This sequence change replaces glutamic acid, which is acidic and polar, with lysine, which is basic and polar, at codon 1582 of the ALPK3 protein (p.Glu1582Lys). In summary, the available evidence is currently insufficient to determine the role of this variant in disease. Therefore, it has been classified as a Variant of Uncertain Significance. Advanced modeling of protein sequence and biophysical properties (such as structural, functional, and spatial information, amino acid conservation, physicochemical variation, residue mobility, and thermodynamic stability) performed at Invitae indicates that this missense variant is expected to disrupt ALPK3 protein function. This variant has not been reported in the literature in individuals affected with ALPK3-related conditions. This variant is not present in population databases (gnomAD no frequency).